The following is an entry in ClinVar:

NM_014611.3(MDN1):c.6219C>T (p.Thr2073=)

Gene: MDN1 (midasin AAA ATPase 1; minus strand). Cytogenetic location: 6q15.
Variant type: single nucleotide variant.
Coding change: c.6219C>T on transcript NM_014611.3 (MANE Select); coding-DNA position 6219, C replaced by T.
Protein change: p.Thr2073=; no amino-acid change (threonine 2073 retained).
Molecular consequence: synonymous variant.
Genome position (GRCh38, 1-based): chr6:89,718,869, G>A on the plus strand (C>T on the coding strand, the complement: MDN1 is on the minus strand). VCF-style: chr6-89718869-G-A. GRCh37 (hg19) VCF-style: chr6-90428588-G-A.
Identifiers: ClinVar variation 3041573 (VCV003041573.2), dbSNP rs116146411, ClinGen allele CA3924611.

ClinVar aggregate classification (germline): Likely benign (0 of 4 stars; one submission).

Conditions:
MDN1-related disorder. Also called: MDN1-related condition.

Allele frequency attached by ClinVar (database versions not stated): gnomAD exomes 0.00018; ExAC 0.00049; 1000 Genomes Project 0.00100; 1000 Genomes Project 30x 0.00109; gnomAD 0.00149; ESP Exome Variant Server 0.00169; TOPMed 0.00190.
gnomAD v4.1: 503 of 1,614,148 alleles (0.031%); highest among the groups gnomAD compares: African/African-American, 0.62%; no homozygotes.

Submission:

PreventionGenetics, part of Exact Sciences
Classification: Likely benign for MDN1-related condition. Last evaluated: 2019-03-20. Review status: no assertion criteria provided. Collection method: clinical testing. Allele origin: germline.
Comment: This variant is classified as likely benign based on ACMG/AMP sequence variant interpretation guidelines (Richards et al. 2015 PMID: 25741868, with internal and published modifications).